The following is an entry in ClinVar:

NM_002635.4(SLC25A3):c.595T>C (p.Leu199=)

Gene: SLC25A3 (solute carrier family 25 member 3; plus strand). Cytogenetic location: 12q23.1.
Variant type: single nucleotide variant.
Coding change: c.595T>C on transcript NM_002635.4 (MANE Select); coding-DNA position 595, T replaced by C.
Protein change: p.Leu199=; no amino-acid change (leucine 199 retained).
Molecular consequence: synonymous variant.
Genome position (GRCh38, 1-based): chr12:98,598,657, T>C. VCF-style: chr12-98598657-T-C. GRCh37 (hg19) VCF-style: chr12-98992435-T-C.
Other names: p.L200L:TTG>CTG; c.598T>C, p.Leu200= (NM_005888.4); c.595T>C, p.Leu199= (NM_213611.3).
Identifiers: ClinVar variation 139149 (VCV000139149.8), dbSNP rs113045059, ClinGen allele CA293534.

ClinVar aggregate classification (germline): Benign. Review status: criteria provided, multiple submitters, no conflicts (2 of 4 stars). 3 submissions from 3 submitters: Benign (2). 1 of the submissions does not count toward it. Last evaluated 2026-01-21.

Conditions:
SLC25A3-related disorder. Also called: SLC25A3-related condition.

Allele frequency attached by ClinVar (database versions not stated): gnomAD exomes 0.00008 and 0.00029; 1000 Genomes Project 0.00040; 1000 Genomes Project 30x 0.00047; gnomAD 0.00112 and 0.00120; TOPMed 0.00130; ESP Exome Variant Server 0.00138; ExAC 0.00032.
gnomAD v4.1: 306 of 1,614,124 alleles (0.019%); highest among the groups gnomAD compares: African/African-American, 0.36%; 2 homozygotes.

Submissions (3):

Labcorp Genetics (formerly Invitae), Labcorp
Classification: Benign. Last evaluated: 2026-01-21. Review status: criteria provided, single submitter. Criteria: Invitae Variant Classification Sherloc (09022015). Collection method: clinical testing. Allele origin: germline.

GeneDx
Classification: Benign. Last evaluated: 2013-08-07. Review status: criteria provided, single submitter. Criteria: GeneDx Variant Classification (06012015). Collection method: clinical testing. Allele origin: germline. Affected: yes.
Comment: This variant is considered likely benign or benign based on one or more of the following criteria: it is a conservative change, it occurs at a poorly conserved position in the protein, it is predicted to be benign by multiple in silico algorithms, and/or has population frequency not consistent with disease.

PreventionGenetics, part of Exact Sciences
Classification: Likely benign for SLC25A3-related condition. Last evaluated: 2023-11-22. Review status: no assertion criteria provided. Collection method: clinical testing. Allele origin: germline. Not counted in ClinVar's aggregate classification.
Comment: This variant is classified as likely benign based on ACMG/AMP sequence variant interpretation guidelines (Richards et al. 2015 PMID: 25741868, with internal and published modifications).